The following is an entry in ClinVar:

NM_012282.4(KCNE5):c.415G>T (p.Ala139Ser)

Gene: KCNE5 (potassium voltage-gated channel subfamily E regulatory subunit 5; minus strand). Cytogenetic location: Xq23.
Variant type: single nucleotide variant.
Coding change: c.415G>T on transcript NM_012282.4 (MANE Select); coding-DNA position 415, G replaced by T.
Protein change: p.Ala139Ser; replaces alanine 139 with serine.
Molecular consequence: missense variant.
Genome position (GRCh38, 1-based): chrX:109,624,606, C>A on the plus strand (G>T on the coding strand, the complement: KCNE5 is on the minus strand). VCF-style: chrX-109624606-C-A. GRCh37 (hg19) VCF-style: chrX-108867835-C-A.
Other names: short protein forms A139S.
Identifiers: ClinVar variation 4767944 (VCV004767944.1).
Genomic context (GRCh38, chrX:109,624,606, plus strand): 5'-TGAGCGAGATGAGGAGGGCGCGAACCAGCAATCTGGGGCTGTGGTTTTAGACCCGCTCAG[C>A]GCCCTGGGCGAGGGCAGGCAGCCCCTCGGAGGCAAGCTGGCGGCGGCCCTCGGCCTGGGA-3'
Protein context (NP_036414.1, residues 129-142): SEGLPALAQG[Ala139Ser]ERV

ClinVar aggregate classification (germline): Uncertain significance (1 of 4 stars; one submission).

Conditions:
Brugada syndrome. Also called: Sudden unexpected nocturnal death syndrome; Sudden Unexplained Death Syndrome; Sudden Unexplained Nocturnal Death Syndrome (SUNDS); Sudden unexplained nocturnal death syndrome. Identifiers: Orphanet 130, MedGen C1142166, MONDO:0015263.

Submission:

Labcorp Genetics (formerly Invitae), Labcorp
Classification: Uncertain significance for Brugada syndrome. Last evaluated: 2025-11-23. Review status: criteria provided, single submitter. Criteria: Invitae Variant Classification Sherloc (09022015). Collection method: clinical testing. Allele origin: germline.
Comment: This sequence change replaces alanine, which is neutral and non-polar, with serine, which is neutral and polar, at codon 139 of the KCNE5 protein (p.Ala139Ser). The frequency data for this variant in the population databases is considered unreliable, as metrics indicate poor data quality at this position in the gnomAD database. This variant has not been reported in the literature in individuals affected with KCNE5-related conditions. An algorithm developed to predict the effect of missense changes on protein structure and function (PolyPhen-2) suggests that this variant is likely to be tolerated. In summary, the available evidence is currently insufficient to determine the role of this variant in disease. Therefore, it has been classified as a Variant of Uncertain Significance.